The following is an entry in ClinVar:

NM_144997.7(FLCN):c.1413C>A (p.Ser471Arg)

Gene: FLCN (folliculin; minus strand). Cytogenetic location: 17p11.2.
Variant type: single nucleotide variant.
Coding change: c.1413C>A on transcript NM_144997.7 (MANE Select); coding-DNA position 1413, C replaced by A.
Protein change: p.Ser471Arg; replaces serine 471 with arginine.
Molecular consequence: missense variant.
Genome position (GRCh38, 1-based): chr17:17,215,204, G>T on the plus strand (C>A on the coding strand, the complement: FLCN is on the minus strand). VCF-style: chr17-17215204-G-T. GRCh37 (hg19) VCF-style: chr17-17118518-G-T.
Other names: c.1467C>A, p.Ser489Arg (NM_001353229.2); c.1413C>A, p.Ser471Arg (NM_001353230.2, NM_001353231.2); short protein forms S471R, S489R.
Identifiers: ClinVar variation 4643094 (VCV004643094.1).
Genomic context (GRCh38, chr17:17,215,204, plus strand): 5'-CATCTTCTCACAAAAAGGACACTCTGCCTGGGGGCACCCACCTCGGTCTGCAGCTACAGG[G>T]CTCCCACTGGTCACCACAAACTCGTACTTGCTGAGAGACTGGTCATCCTCACACCCCACA-3'
Protein context (NP_659434.2, residues 461-481): SKYEFVVTSG[Ser471Arg]PVAADRVGPT

ClinVar aggregate classification (germline): Uncertain significance (1 of 4 stars; one submission).

Conditions:
Hereditary cancer-predisposing syndrome. Also called: Neoplastic Syndromes, Hereditary; Tumor predisposition; Hereditary Cancer Syndrome; Hereditary neoplastic syndrome. Identifiers: Orphanet 140162, MedGen C0027672, MeSH D009386, MONDO:0015356.

Submission:

Ambry Genetics
Classification: Uncertain significance for Hereditary cancer-predisposing syndrome. Last evaluated: 2025-11-02. Review status: criteria provided, single submitter. Criteria: Ambry Variant Classification Scheme 2023. Collection method: clinical testing. Allele origin: germline.
Comment: The p.S471R variant (also known as c.1413C>A), located in coding exon 9 of the FLCN gene, results from a C to A substitution at nucleotide position 1413. The serine at codon 471 is replaced by arginine, an amino acid with dissimilar properties. This amino acid position is conserved. In addition, the in silico prediction for this alteration is inconclusive. Based on the available evidence, the clinical significance of this variant remains unclear.